The following is an entry in ClinVar:

ClinVar aggregate classification (germline): Uncertain significance. Review status: criteria provided, multiple submitters, no conflicts (2 of 4 stars). 2 submissions from 2 submitters: Uncertain significance (2). Last evaluated 2024-10-30.

Conditions:
Inborn genetic diseases. Identifiers: MedGen C0950123, MeSH D030342.

Allele frequency attached by ClinVar (database versions not stated): gnomAD exomes below 0.00001; ExAC 0.00001; TOPMed 0.00002; gnomAD 0.00003; ESP Exome Variant Server 0.00008.
gnomAD v4.1: 5 of 1,614,096 alleles (0.00031%); highest among the groups gnomAD compares: African/African-American, 0.0067%; no homozygotes.

Submissions (2):

Labcorp Genetics (formerly Invitae), Labcorp
Classification: Uncertain significance. Last evaluated: 2024-10-30. Review status: criteria provided, single submitter. Criteria: Invitae Variant Classification Sherloc (09022015). Collection method: clinical testing. Allele origin: germline.
Comment: This sequence change replaces valine, which is neutral and non-polar, with methionine, which is neutral and non-polar, at codon 429 of the ITGB3 protein (p.Val429Met). This variant is present in population databases (rs376656815, gnomAD 0.007%). This variant has not been reported in the literature in individuals affected with ITGB3-related conditions. ClinVar contains an entry for this variant (Variation ID: 1927007). Invitae Evidence Modeling of protein sequence and biophysical properties (such as structural, functional, and spatial information, amino acid conservation, physicochemical variation, residue mobility, and thermodynamic stability) indicates that this missense variant is not expected to disrupt ITGB3 protein function with a negative predictive value of 80%. In summary, the available evidence is currently insufficient to determine the role of this variant in disease. Therefore, it has been classified as a Variant of Uncertain Significance.

Ambry Genetics
Classification: Uncertain significance for Inborn genetic diseases. Last evaluated: 2023-03-06. Review status: criteria provided, single submitter. Criteria: Ambry Variant Classification Scheme 2023. Collection method: clinical testing. Allele origin: germline.

NM_000212.3(ITGB3):c.1285G>A (p.Val429Met)

Gene: ITGB3 (integrin subunit beta 3; plus strand). Cytogenetic location: 17q21.32.
Variant type: single nucleotide variant.
Coding change: c.1285G>A on transcript NM_000212.3 (MANE Select); coding-DNA position 1285, G replaced by A.
Protein change: p.Val429Met; replaces valine 429 with methionine.
Molecular consequence: missense variant.
Genome position (GRCh38, 1-based): chr17:47,292,163, G>A. VCF-style: chr17-47292163-G-A. GRCh37 (hg19) VCF-style: chr17-45369529-G-A.
Other names: short protein forms V429M.
Identifiers: ClinVar variation 1927007 (VCV001927007.6), dbSNP rs376656815, ClinGen allele CA8623237.